The following is an entry in ClinVar:

ClinVar aggregate classification (germline): Uncertain significance (1 of 4 stars; one submission).

Conditions:
Aicardi-Goutieres syndrome 6 (AGS6). Identifiers: Orphanet 51, MedGen C3539013, MONDO:0014007, OMIM 615010.
Symmetrical dyschromatosis of extremities (DSH). Also called: RETICULATE ACROPIGMENTATION OF DOHI; DYSCHROMATOSIS SYMMETRICA HEREDITARIA 1; SYMMETRIC DYSCHROMATOSIS OF THE EXTREMITIES; Dyschromatosis symmetrica hereditaria. Identifiers: Orphanet 41, MedGen C0406775, MONDO:0007483, OMIM 127400.

gnomAD v4.1: 2 of 1,614,210 alleles (0.00012%); highest among the groups gnomAD compares: Admixed American, 0.0017%; no homozygotes.

Submission:

Labcorp Genetics (formerly Invitae), Labcorp
Classification: Uncertain significance for Aicardi-Goutieres syndrome 6; Symmetrical dyschromatosis of extremities. Last evaluated: 2025-06-09. Review status: criteria provided, single submitter. Criteria: Invitae Variant Classification Sherloc (09022015). Collection method: clinical testing. Allele origin: germline.
Comment: This sequence change replaces alanine, which is neutral and non-polar, with serine, which is neutral and polar, at codon 315 of the ADAR protein (p.Ala315Ser). This variant is not present in population databases (gnomAD no frequency). This variant has not been reported in the literature in individuals affected with ADAR-related conditions. ClinVar contains an entry for this variant (Variation ID: 540265). Invitae Evidence Modeling of protein sequence and biophysical properties (such as structural, functional, and spatial information, amino acid conservation, physicochemical variation, residue mobility, and thermodynamic stability) indicates that this missense variant is not expected to disrupt ADAR protein function with a negative predictive value of 80%. In summary, the available evidence is currently insufficient to determine the role of this variant in disease. Therefore, it has been classified as a Variant of Uncertain Significance.

NM_001111.5(ADAR):c.943G>T (p.Ala315Ser)

Gene: ADAR (adenosine deaminase RNA specific; minus strand). Cytogenetic location: 1q21.3.
Variant type: single nucleotide variant.
Coding change: c.943G>T on transcript NM_001111.5 (MANE Select); coding-DNA position 943, G replaced by T.
Protein change: p.Ala315Ser; replaces alanine 315 with serine.
Molecular consequence: missense variant.
Genome position (GRCh38, 1-based): chr1:154,601,699, C>A on the plus strand (G>T on the coding strand, the complement: ADAR is on the minus strand). VCF-style: chr1-154601699-C-A. GRCh37 (hg19) VCF-style: chr1-154574175-C-A.
Other names: c.58G>T, p.Ala20Ser (NM_001025107.3, NM_001193495.2, NM_001365046.1 and 3 more transcripts); c.970G>T, p.Ala324Ser (NM_001365045.1); c.943G>T, p.Ala315Ser (NM_015840.4, NM_015841.4, LRG_1212t1); short protein forms A315S, A20S, A324S.
Identifiers: ClinVar variation 540265 (VCV000540265.8), dbSNP rs765669048, ClinGen allele CA342599198.